The following is an entry in ClinVar:

NM_006005.3(WFS1):c.2528A>T (p.Lys843Met)

Gene: WFS1 (wolframin ER transmembrane glycoprotein; plus strand). Cytogenetic location: 4p16.1.
Variant type: single nucleotide variant.
Coding change: c.2528A>T on transcript NM_006005.3 (MANE Select); coding-DNA position 2528, A replaced by T.
Protein change: p.Lys843Met; replaces lysine 843 with methionine.
Molecular consequence: missense variant.
Genome position (GRCh38, 1-based): chr4:6,302,323, A>T. VCF-style: chr4-6302323-A-T. GRCh37 (hg19) VCF-style: chr4-6304050-A-T.
Other names: c.2528A>T, p.Lys843Met (NM_001145853.1); short protein forms K843M.
Identifiers: ClinVar variation 1328828 (VCV001328828.5), dbSNP rs763464027, ClinGen allele CA356178853.
Genomic context (GRCh38, chr4:6,302,323, plus strand): 5'-TCGAGTTCAGCACCATCCTGGAGGGCCGCCTGGGCAGCAAGTGGCCTGTCTTCGAGCTCA[A>T]GGCCATCAGCTGCCTCAACTGCATGGCCCAGCTCTCACCCACCAGGCGGCACGTGAAGAT-3'
Protein context (NP_005996.2, residues 833-853): LGSKWPVFEL[Lys843Met]AISCLNCMAQ

ClinVar aggregate classification (germline): Uncertain significance (1 of 4 stars; one submission).

Conditions:
Wolfram-like syndrome. Also called: HEARING LOSS, PROGRESSIVE, WITH OPTIC ATROPHY AND/OR IMPAIRED GLUCOSE REGULATION. Identifiers: Orphanet 411590, MedGen C3280358, MONDO:0013673, OMIM 614296.
Autosomal dominant nonsyndromic hearing loss 6 (LFSNHL). Also called: DEAFNESS, AUTOSOMAL DOMINANT 6; Autosomal dominant nonsyndromic deafness 6; DEAFNESS, AUTOSOMAL DOMINANT 14; DEAFNESS, AUTOSOMAL DOMINANT 38. Identifiers: Orphanet 90635, MedGen C1833021, MONDO:0010963, OMIM 600965.
WFS1-Related Spectrum Disorders.
Wolfram syndrome. Also called: DIDMOAD (Diabetes Insipidus, Diabetes Mellitus, Optic Atrophy, and Deafness); Diabetes mellitus AND insipidus with optic atrophy AND deafness. Identifiers: Orphanet 3463, MedGen C0043207, MONDO:0018105.

gnomAD v4.1: 1 of 1,612,170 alleles (0.000062%); highest among the groups gnomAD compares: Non-Finnish European, 0.000085%; no homozygotes.

Submission:

GeneDx
Classification: Uncertain significance. Last evaluated: 2023-03-01. Review status: criteria provided, single submitter. Criteria: GeneDx Variant Classification Process June 2021. Collection method: clinical testing. Allele origin: germline. Affected: yes.
Comment: Observed with a second variant in a patient with diabetes in published literature (Yu MG et al., 2019); In silico analysis supports that this missense variant has a deleterious effect on protein structure/function; Not observed at significant frequency in large population cohorts (gnomAD); This variant is associated with the following publications: (PMID: 31264968)